The following is an entry in ClinVar:

ClinVar aggregate classification (germline): Uncertain significance (1 of 4 stars; one submission).

Submission:

GeneDx
Classification: Uncertain significance. Last evaluated: 2026-03-30. Review status: criteria provided, single submitter. Criteria: GeneDx Variant Classification Process June 2021. Collection method: clinical testing. Allele origin: germline.
Comment: Not observed at significant frequency in large population cohorts (gnomAD); In silico analysis suggests that this missense variant does not alter protein structure/function; Has not been previously published as pathogenic or benign to our knowledge

NM_001395159.1(UNC79):c.7274A>G (p.His2425Arg)

Gene: UNC79 (unc-79 subunit of NALCN channel complex; plus strand). Cytogenetic location: 14q32.12.
Variant type: single nucleotide variant.
Coding change: c.7274A>G on transcript NM_001395159.1 (MANE Select); coding-DNA position 7274, A replaced by G.
Protein change: p.His2425Arg; replaces histidine 2425 with arginine.
Molecular consequence: missense variant.
Genome position (GRCh38, 1-based): chr14:93,688,696, A>G. VCF-style: chr14-93688696-A-G. GRCh37 (hg19) VCF-style: chr14-94155042-A-G.
Other names: c.7208A>G, p.His2403Arg (NM_001346218.2); c.6527A>G, p.His2176Arg (NM_020818.5); short protein forms H2176R, H2403R, H2425R.
Identifiers: ClinVar variation 5017938 (VCV005017938.1).